The following is an entry in ClinVar:

NM_032444.4(SLX4):c.2191G>A (p.Asp731Asn)

Gene: SLX4 (SLX4 structure-specific endonuclease subunit; minus strand). Cytogenetic location: 16p13.3.
Variant type: single nucleotide variant.
Coding change: c.2191G>A on transcript NM_032444.4 (MANE Select); coding-DNA position 2191, G replaced by A.
Protein change: p.Asp731Asn; replaces aspartic acid 731 with asparagine.
Molecular consequence: missense variant.
Genome position (GRCh38, 1-based): chr16:3,592,835, C>T on the plus strand (G>A on the coding strand, the complement: SLX4 is on the minus strand). VCF-style: chr16-3592835-C-T. GRCh37 (hg19) VCF-style: chr16-3642836-C-T.
Other names: short protein forms D731N.
Identifiers: ClinVar variation 2738261 (VCV002738261.3), dbSNP rs760941208, ClinGen allele CA7866236.

ClinVar aggregate classification (germline): Uncertain significance. Review status: criteria provided, multiple submitters, no conflicts (2 of 4 stars). 2 submissions from 2 submitters: Uncertain significance (2). Last evaluated 2025-09-09.

Conditions:
Inborn genetic diseases. Identifiers: MedGen C0950123, MeSH D030342.
Fanconi anemia (FA). Also called: Fanconi's anemia. Identifiers: Orphanet 84, MedGen C0015625, MeSH D005199, MONDO:0019391.

Allele frequency attached by ClinVar (database versions not stated): TOPMed 0.00001; ExAC 0.00003.
gnomAD v4.1: 5 of 1,612,192 alleles (0.00031%); highest among the groups gnomAD compares: Admixed American, 0.0083%; no homozygotes.

Submissions (2):

Ambry Genetics
Classification: Uncertain significance for Inborn genetic diseases. Last evaluated: 2025-09-09. Review status: criteria provided, single submitter. Criteria: Ambry Variant Classification Scheme 2023. Collection method: clinical testing. Allele origin: germline.

Labcorp Genetics (formerly Invitae), Labcorp
Classification: Uncertain significance for Fanconi anemia. Last evaluated: 2024-03-01. Review status: criteria provided, single submitter. Criteria: Invitae Variant Classification Sherloc (09022015). Collection method: clinical testing. Allele origin: germline.
Comment: This sequence change replaces aspartic acid, which is acidic and polar, with asparagine, which is neutral and polar, at codon 731 of the SLX4 protein (p.Asp731Asn). This variant is present in population databases (rs760941208, gnomAD 0.01%). This variant has not been reported in the literature in individuals affected with SLX4-related conditions. An algorithm developed to predict the effect of missense changes on protein structure and function (PolyPhen-2) suggests that this variant is likely to be disruptive. In summary, the available evidence is currently insufficient to determine the role of this variant in disease. Therefore, it has been classified as a Variant of Uncertain Significance.